The following is an entry in ClinVar:

ClinVar aggregate classification (germline): Uncertain significance (1 of 4 stars; one submission).

Submission:

GeneDx
Classification: Uncertain significance. Last evaluated: 2022-09-22. Review status: criteria provided, single submitter. Criteria: GeneDx Variant Classification Process June 2021. Collection method: clinical testing. Allele origin: germline. Affected: yes.
Comment: Not observed at significant frequency in large population cohorts (gnomAD); In silico analysis supports that this missense variant has a deleterious effect on protein structure/function; Has not been previously published as pathogenic or benign to our knowledge

NM_018489.3(ASH1L):c.7370C>T (p.Ser2457Phe)

Gene: ASH1L (ASH1 like histone lysine methyltransferase; minus strand). Cytogenetic location: 1q22.
Variant type: single nucleotide variant.
Coding change: c.7370C>T on transcript NM_018489.3 (MANE Select); coding-DNA position 7370, C replaced by T.
Protein change: p.Ser2457Phe; replaces serine 2457 with phenylalanine.
Molecular consequence: missense variant.
Genome position (GRCh38, 1-based): chr1:155,349,593, G>A on the plus strand (C>T on the coding strand, the complement: ASH1L is on the minus strand). VCF-style: chr1-155349593-G-A. GRCh37 (hg19) VCF-style: chr1-155319384-G-A.
Other names: c.7385C>T, p.Ser2462Phe (NM_001366177.2); short protein forms S2457F, S2462F.
Identifiers: ClinVar variation 2446123 (VCV002446123.1), dbSNP rs752016721, ClinGen allele CA342743387.